The following is an entry in ClinVar:

NM_001999.4(FBN2):c.1626T>A (p.Asn542Lys)

Gene: FBN2 (fibrillin 2; minus strand). Cytogenetic location: 5q23.3.
Variant type: single nucleotide variant.
Coding change: c.1626T>A on transcript NM_001999.4 (MANE Select); coding-DNA position 1626, T replaced by A.
Protein change: p.Asn542Lys; replaces asparagine 542 with lysine.
Molecular consequence: missense variant.
Genome position (GRCh38, 1-based): chr5:128,378,868, A>T on the plus strand (T>A on the coding strand, the complement: FBN2 is on the minus strand). VCF-style: chr5-128378868-A-T. GRCh37 (hg19) VCF-style: chr5-127714561-A-T.
Other names: short protein forms N542K.
Identifiers: ClinVar variation 1063868 (VCV001063868.9), dbSNP rs2126960231, ClinGen allele CA360743952.

ClinVar aggregate classification (germline): Uncertain significance (1 of 4 stars; one submission).

Conditions:
Congenital contractural arachnodactyly (CCA). Also called: BEALS SYNDROME; Arthrogryposis, distal, type 9; Beals-Hecht syndrome. Identifiers: Orphanet 115, MedGen C0220668, MONDO:0007363, OMIM 121050.

Submission:

Labcorp Genetics (formerly Invitae), Labcorp
Classification: Uncertain significance for Congenital contractural arachnodactyly. Last evaluated: 2022-01-12. Review status: criteria provided, single submitter. Criteria: Invitae Variant Classification Sherloc (09022015). Collection method: clinical testing. Allele origin: germline.
Comment: In summary, the available evidence is currently insufficient to determine the role of this variant in disease. Therefore, it has been classified as a Variant of Uncertain Significance. Advanced modeling of protein sequence and biophysical properties (such as structural, functional, and spatial information, amino acid conservation, physicochemical variation, residue mobility, and thermodynamic stability) performed at Invitae indicates that this missense variant is not expected to disrupt FBN2 protein function. ClinVar contains an entry for this variant (Variation ID: 1063868). This variant has not been reported in the literature in individuals affected with FBN2-related conditions. This variant is not present in population databases (gnomAD no frequency). This sequence change replaces asparagine, which is neutral and polar, with lysine, which is basic and polar, at codon 542 of the FBN2 protein (p.Asn542Lys).